The following is an entry in ClinVar:

NM_000283.4(PDE6B):c.861dup (p.Asp288Ter)

Genes: PDE6B (phosphodiesterase 6B; plus strand), PDE6B-AS1 (PDE6B antisense RNA 1; minus strand). Cytogenetic location: 4p16.3.
Variant type: Duplication.
Coding change: c.861dup on transcript NM_000283.4 (MANE Select); coding-DNA position 861, one base duplicated (T; older notation c.861dupT).
Protein change: p.Asp288Ter; replaces aspartic acid 288 with a stop codon.
Molecular consequence: nonsense. On other transcripts: non-coding transcript variant (1), 5 prime UTR variant (1).
Genome position (GRCh38, 1-based): chr4:654,088, T duplicated; the last of 6 consecutive T bases (chr4:654,083-654,088); duplicating any one gives the same sequence. VCF-style (leftmost placement, unchanged base first): chr4-654082-A-AT. GRCh37 (hg19) VCF-style: chr4-647871-A-AT.
Other names: c.861dup, p.Asp288Ter (NM_001145291.2); c.24dup, p.Asp9Ter (NM_001145292.2, NM_001350154.3, NM_001379246.1 and 1 more transcripts); c.-180dup (NM_001350155.3); short protein forms D288*, D9*.
Identifiers: ClinVar variation 3382926 (VCV003382926.2).
Genomic context (GRCh38, chr4:654,082, plus strand): 5'-GCCTGGCCCGACCCAGGTCCCGCAGTGACCGCCCCACCCTCACCTCTTCTCTGCCCAGGA[A>AT]TTTTTTGACGTGTGGTCTGTGCTGATGGGAGAGTCCCAGCCGTACTCGGGCCCACGCACG-3'

ClinVar aggregate classification (germline): Likely pathogenic (1 of 4 stars; one submission).

Conditions:
Retinitis pigmentosa 40 (RP40). Identifiers: Orphanet 791, MedGen C3151107, MONDO:0013429, OMIM 613801.
Congenital stationary night blindness autosomal dominant 2. Also called: NIGHT BLINDNESS, CONGENITAL STATIONARY, RAMBUSCH TYPE. Identifiers: Orphanet 215, MedGen C1876182, MONDO:0008099, OMIM 163500.

Submission:

Juno Genomics, Hangzhou Juno Genomics, Inc
Classification: Likely pathogenic for Congenital stationary night blindness autosomal dominant 2; Retinitis pigmentosa 40. Review status: criteria provided, single submitter. Criteria: ACMG Guidelines, 2015. Collection method: clinical testing. Allele origin: germline. Affected: yes.
Comment: Null variant in a gene where loss of function (LOF) is a known mechanism of disease.;Absent from controls (or at extremely low frequency if recessive) in Genome Aggregation Database, Exome Sequencing Project, 1000 Genomes Project, or Exome Aggregation Consortium.